The following is an entry in ClinVar:

NM_015335.5(MED13L):c.2468G>A (p.Gly823Glu)

Gene: MED13L (mediator complex subunit 13L; minus strand). Cytogenetic location: 12q24.21.
Variant type: single nucleotide variant.
Coding change: c.2468G>A on transcript NM_015335.5 (MANE Select); coding-DNA position 2468, G replaced by A.
Protein change: p.Gly823Glu; replaces glycine 823 with glutamic acid.
Molecular consequence: missense variant.
Genome position (GRCh38, 1-based): chr12:116,005,870, C>T on the plus strand (G>A on the coding strand, the complement: MED13L is on the minus strand). VCF-style: chr12-116005870-C-T. GRCh37 (hg19) VCF-style: chr12-116443675-C-T.
Other names: short protein forms G823E.
Identifiers: ClinVar variation 1042751 (VCV001042751.9), dbSNP rs1879015895, ClinGen allele CA386892475.

ClinVar aggregate classification (germline): Uncertain significance (1 of 4 stars; one submission).

Conditions:
Dextro-looped transposition of the great arteries. Also called: Dextrotransposition of the great arteries. Identifiers: Orphanet 860, MedGen C3531771, MONDO:0019443, OMIM 608808, HP:0031348.

Allele frequency attached by ClinVar (database versions not stated): TOPMed below 0.00001; gnomAD 0.00001.
gnomAD v4.1: 1 of 1,613,664 alleles (0.000062%); highest among the groups gnomAD compares: Non-Finnish European, 0.000085%; no homozygotes.

Submission:

Labcorp Genetics (formerly Invitae), Labcorp
Classification: Uncertain significance for Dextro-looped transposition of the great arteries. Last evaluated: 2020-02-27. Review status: criteria provided, single submitter. Criteria: Invitae Variant Classification Sherloc (09022015). Collection method: clinical testing. Allele origin: germline.
Comment: This sequence change replaces glycine with glutamic acid at codon 823 of the MED13L protein (p.Gly823Glu). The glycine residue is moderately conserved and there is a moderate physicochemical difference between glycine and glutamic acid. This variant is not present in population databases (ExAC no frequency). This variant has not been reported in the literature in individuals with MED13L-related conditions. Algorithms developed to predict the effect of missense changes on protein structure and function are either unavailable or do not agree on the potential impact of this missense change (SIFT: "Tolerated"; PolyPhen-2: "Not Available"; Align-GVGD: "Class C0"). In summary, the available evidence is currently insufficient to determine the role of this variant in disease. Therefore, it has been classified as a Variant of Uncertain Significance.